The following is an entry in ClinVar:

ClinVar aggregate classification (germline): Likely benign (0 of 4 stars; one submission).

Conditions:
PKD1-related disorder. Also called: PKD1-related condition.

Allele frequency attached by ClinVar (database versions not stated): ExAC 0.00025.

Submission:

PreventionGenetics, part of Exact Sciences
Classification: Likely benign for PKD1-related condition. Last evaluated: 2019-09-18. Review status: no assertion criteria provided. Collection method: clinical testing. Allele origin: germline.
Comment: This variant is classified as likely benign based on ACMG/AMP sequence variant interpretation guidelines (Richards et al. 2015 PMID: 25741868, with internal and published modifications).

NM_001009944.3(PKD1):c.1446G>A (p.Pro482=)

Gene: PKD1 (polycystin 1, transient receptor potential channel interacting; minus strand). Cytogenetic location: 16p13.3.
Variant type: single nucleotide variant.
Coding change: c.1446G>A on transcript NM_001009944.3 (MANE Select); coding-DNA position 1446, G replaced by A.
Protein change: p.Pro482=; no amino-acid change (proline 482 retained).
Molecular consequence: synonymous variant.
Genome position (GRCh38, 1-based): chr16:2,116,993, C>T on the plus strand (G>A on the coding strand, the complement: PKD1 is on the minus strand). VCF-style: chr16-2116993-C-T. GRCh37 (hg19) VCF-style: chr16-2166994-C-T.
Other names: c.1446G>A, p.Pro482= (NM_000296.4).
Identifiers: ClinVar variation 3040611 (VCV003040611.2), dbSNP rs759093325, ClinGen allele CA7833503.
Genomic context (GRCh38, chr16:2,116,993, plus strand): 5'-TGGGTGTGGCTCCCCGGGCAGCCAGTTCTGGCAGCTCTCCAGGCTGAAGGCCTCGCCCTG[C>T]GGCGCTGGGCCCACCTCCACCCCCTGCACAGTCGAGAAGCCGATCCACACGTCTAGGCTC-3'
Protein context (NP_001009944.3, residues 472-492): TVQGVEVGPA[Pro482=]QGEAFSLESC